The following is an entry in ClinVar:

ClinVar aggregate classification (germline): Pathogenic (1 of 4 stars; one submission).

Submission:

Institute of Human Genetics, FAU Erlangen, Friedrich-Alexander-Universität Erlangen-Nürnberg
Classification: Pathogenic. Last evaluated: 2023-09-26. Review status: criteria provided, single submitter. Criteria: Hauer et al. (Genet Med. 2018). Collection method: clinical testing. Allele origin: germline. Inheritance: Unknown mechanism. Affected: yes. Observed: 1 variant allele.
Comment: This variant has been identified by standard clinical testing. Gorlin syndrome Selected ACMG criteria: Pathogenic (I):PP4;PM2;PVS1

NM_000264.5(PTCH1):c.1304_1305del (p.Phe434_Ser435insTer)

Gene: PTCH1 (patched 1; minus strand). Cytogenetic location: 9q22.32.
Variant type: Microsatellite.
Coding change: c.1304_1305del on transcript NM_000264.5 (MANE Select); coding-DNA positions 1304 to 1305, 2 bases deleted (CT; older notation c.1304_1305delCT).
Protein change: p.Phe434_Ser435insTer.
Molecular consequence: nonsense. On other transcripts: non-coding transcript variant (1).
Genome position (GRCh38, 1-based): chr9:95,478,097-95,478,098, AG deleted on the plus strand (CT on the coding strand, the reverse complement: PTCH1 is on the minus strand); deleting any 2 consecutive bases within chr9:95,478,097-95,478,101 gives the same sequence; the c. name uses the placement nearest the transcript's 3' end. VCF-style (leftmost placement, unchanged base first): chr9-95478096-CAG-C. GRCh37 (hg19) VCF-style: chr9-98240378-CAG-C.
Other names: c.1106_1107del, p.Phe368_Ser369insTer (NM_001083602.3); c.1301_1302del, p.Phe433_Ser434insTer (NM_001083603.3); c.851_852del, p.Phe283_Ser284insTer (NM_001083604.3, NM_001083605.3, NM_001083606.3 and 1 more transcripts); c.1304_1305del, p.Phe434_Ser435insTer (NM_001354918.2).
Identifiers: ClinVar variation 2580288 (VCV002580288.1), dbSNP rs2538210226, ClinGen allele CA2580618201.